The following is an entry in ClinVar:

ClinVar aggregate classification (germline): Uncertain significance (1 of 4 stars; one submission).

gnomAD v4.1: 1 of 1,614,130 alleles (0.000062%); highest among the groups gnomAD compares: Admixed American, 0.0017%; no homozygotes.

Submission:

Labcorp Genetics (formerly Invitae), Labcorp
Classification: Uncertain significance. Last evaluated: 2022-08-23. Review status: criteria provided, single submitter. Criteria: Invitae Variant Classification Sherloc (09022015). Collection method: clinical testing. Allele origin: germline.
Comment: ClinVar contains an entry for this variant (Variation ID: 1517587). This variant has not been reported in the literature in individuals affected with ABCA1-related conditions. This variant is present in population databases (rs769840742, gnomAD 0.003%). This sequence change replaces phenylalanine, which is neutral and non-polar, with leucine, which is neutral and non-polar, at codon 1347 of the ABCA1 protein (p.Phe1347Leu). Advanced modeling of protein sequence and biophysical properties (such as structural, functional, and spatial information, amino acid conservation, physicochemical variation, residue mobility, and thermodynamic stability) performed at Invitae indicates that this missense variant is not expected to disrupt ABCA1 protein function. In summary, the available evidence is currently insufficient to determine the role of this variant in disease. Therefore, it has been classified as a Variant of Uncertain Significance.

NM_005502.4(ABCA1):c.4039T>C (p.Phe1347Leu)

Gene: ABCA1 (ATP binding cassette subfamily A member 1; minus strand). Cytogenetic location: 9q31.1.
Variant type: single nucleotide variant.
Coding change: c.4039T>C on transcript NM_005502.4 (MANE Select); coding-DNA position 4039, T replaced by C.
Protein change: p.Phe1347Leu; replaces phenylalanine 1347 with leucine.
Molecular consequence: missense variant.
Genome position (GRCh38, 1-based): chr9:104,812,585, A>G on the plus strand (T>C on the coding strand, the complement: ABCA1 is on the minus strand). VCF-style: chr9-104812585-A-G. GRCh37 (hg19) VCF-style: chr9-107574866-A-G.
Other names: short protein forms F1347L.
Identifiers: ClinVar variation 1517587 (VCV001517587.6), dbSNP rs769840742, ClinGen allele CA5168265.